The following is an entry in ClinVar:

ClinVar aggregate classification (germline): Uncertain significance. Review status: criteria provided, multiple submitters, no conflicts (2 of 4 stars). 2 submissions from 2 submitters: Uncertain significance (2). Last evaluated 2025-07-01.

Conditions:
Hereditary cancer-predisposing syndrome. Also called: Neoplastic Syndromes, Hereditary; Tumor predisposition; Hereditary Cancer Syndrome; Hereditary neoplastic syndrome. Identifiers: Orphanet 140162, MedGen C0027672, MeSH D009386, MONDO:0015356.
Familial thoracic aortic aneurysm and aortic dissection (TAAD). Also called: Thoracic aortic aneurysms and dissections. Identifiers: Orphanet 91387, MedGen C4707243, MONDO:0019625.

Submissions (2):

Ambry Genetics
Classification: Uncertain significance for Hereditary cancer-predisposing syndrome; Familial thoracic aortic aneurysm and aortic dissection. Last evaluated: 2025-07-01. Review status: criteria provided, single submitter. Criteria: Ambry Variant Classification Scheme 2023. Collection method: clinical testing. Allele origin: germline.
Comment: The c.-3C>T variant is located in the 5' untranslated region (5&rsquo; UTR) of the SMAD4 gene. This variant results from a C to T substitution 3 bases upstream from the first translated codon. This nucleotide position is highly conserved in available vertebrate species. Based on the available evidence, the clinical significance of this variant remains unclear.

Color Diagnostics, LLC DBA Color Health
Classification: Uncertain significance for Hereditary cancer-predisposing syndrome. Last evaluated: 2022-03-28. Review status: criteria provided, single submitter. Criteria: ACMG Guidelines, 2015. Collection method: clinical testing. Allele origin: germline.
Comment: This variant is located at the -3 position in the 5'UTR of the SMAD4 gene. This variant is located within the the Kozak consensus sequence (PMID: 3313277). To our knowledge, functional studies have not been reported for this variant. This variant has not been reported in individuals affected with hereditary cancer in the literature. This variant has not been identified in the general population by the Genome Aggregation Database (gnomAD). The available evidence is insufficient to determine the role of this variant in disease conclusively. Therefore, this variant is classified as a Variant of Uncertain Significance.

Literature cited by the submitters: PubMed 3313277 (cited by Color Diagnostics, LLC DBA Color Health).

NM_005359.6(SMAD4):c.-3C>T

Gene: SMAD4 (SMAD family member 4; plus strand). Cytogenetic location: 18q21.2.
Variant type: single nucleotide variant.
Coding change: c.-3C>T on transcript NM_005359.6 (MANE Select); 3 bases upstream of the start codon, C replaced by T.
Molecular consequence: 5 prime UTR variant. On other transcripts: non-coding transcript variant (2).
Genome position (GRCh38, 1-based): chr18:51,047,044, C>T. VCF-style: chr18-51047044-C-T. GRCh37 (hg19) VCF-style: chr18-48573414-C-T.
Other names: c.-3C>T (NM_001407041.1, NM_001407042.1, NM_001407043.1).
Identifiers: ClinVar variation 2774518 (VCV002774518.3), dbSNP rs886053892, ClinGen allele CA2697555498.